The following is an entry in ClinVar:

ClinVar aggregate classification (germline): Uncertain significance (1 of 4 stars; one submission).

Conditions:
Hereditary cancer-predisposing syndrome. Also called: Neoplastic Syndromes, Hereditary; Tumor predisposition; Hereditary Cancer Syndrome; Hereditary neoplastic syndrome. Identifiers: Orphanet 140162, MedGen C0027672, MeSH D009386, MONDO:0015356.

Submission:

Ambry Genetics
Classification: Uncertain significance for Hereditary cancer-predisposing syndrome. Last evaluated: 2021-12-21. Review status: criteria provided, single submitter. Criteria: Ambry Variant Classification Scheme 2023. Collection method: clinical testing. Allele origin: germline.
Comment: The p.P588A variant (also known as c.1762C>G), located in coding exon 14 of the BAP1 gene, results from a C to G substitution at nucleotide position 1762. The proline at codon 588 is replaced by alanine, an amino acid with highly similar properties. This amino acid position is not well conserved in available vertebrate species. In addition, this alteration is predicted to be tolerated by in silico analysis. Since supporting evidence is limited at this time, the clinical significance of this alteration remains unclear.

NM_004656.4(BAP1):c.1762C>G (p.Pro588Ala)

Gene: BAP1 (BRCA1 associated deubiquitinase 1; minus strand). Cytogenetic location: 3p21.1.
Variant type: single nucleotide variant.
Coding change: c.1762C>G on transcript NM_004656.4 (MANE Select); coding-DNA position 1762, C replaced by G.
Protein change: p.Pro588Ala; replaces proline 588 with alanine.
Molecular consequence: missense variant.
Genome position (GRCh38, 1-based): chr3:52,403,266, G>C on the plus strand (C>G on the coding strand, the complement: BAP1 is on the minus strand). VCF-style: chr3-52403266-G-C. GRCh37 (hg19) VCF-style: chr3-52437282-G-C.
Other names: c.1708C>G, p.Pro570Ala (NM_001410772.1); short protein forms P588A, P570A.
Identifiers: ClinVar variation 1779602 (VCV001779602.2), dbSNP rs1389012731, ClinGen allele CA353099109.